The following is an entry in ClinVar:

NM_001429.4(EP300):c.5167G>A (p.Ala1723Thr)

Gene: EP300 (EP300 lysine acetyltransferase; plus strand). Cytogenetic location: 22q13.2.
Variant type: single nucleotide variant.
Coding change: c.5167G>A on transcript NM_001429.4 (MANE Select); coding-DNA position 5167, G replaced by A.
Protein change: p.Ala1723Thr; replaces alanine 1723 with threonine.
Molecular consequence: missense variant.
Genome position (GRCh38, 1-based): chr22:41,176,878, G>A. VCF-style: chr22-41176878-G-A. GRCh37 (hg19) VCF-style: chr22-41572882-G-A.
Other names: c.5089G>A, p.Ala1697Thr (NM_001362843.2); short protein forms A1697T, A1723T.
Identifiers: ClinVar variation 4982517 (VCV004982517.1).

ClinVar aggregate classification (germline): Uncertain significance (1 of 4 stars; one submission).

Conditions:
EP300-related disorder. Also called: EP300-related condition; EP300-related disorders.

Submission:

PreventionGenetics, part of Exact Sciences
Classification: Uncertain significance for EP300-related condition. Last evaluated: 2025-01-14. Review status: criteria provided, single submitter. Criteria: ACMG Guidelines, 2015. Collection method: clinical testing. Allele origin: germline.
Comment: The EP300 c.5167G>A variant is predicted to result in the amino acid substitution p.Ala1723Thr. To our knowledge, this variant has not been reported in the literature or in a large population database (gnomAD), indicating this variant is rare. At this time, the clinical significance of this variant is uncertain due to the absence of conclusive functional and genetic evidence.